The following is an entry in ClinVar:

NM_001017420.3(ESCO2):c.1131+1G>T

Gene: ESCO2 (establishment of sister chromatid cohesion N-acetyltransferase 2; plus strand). Cytogenetic location: 8p21.1.
Variant type: single nucleotide variant.
Coding change: c.1131+1G>T on transcript NM_001017420.3 (MANE Select); the canonical splice donor site of the intron after coding-DNA position 1131, G replaced by T.
Molecular consequence: splice donor variant.
Genome position (GRCh38, 1-based): chr8:27,788,003, G>T. VCF-style: chr8-27788003-G-T. GRCh37 (hg19) VCF-style: chr8-27645520-G-T.
Other names: c.1131+1G>T (NM_001017420.2).
Identifiers: ClinVar variation 2891001 (VCV002891001.4), dbSNP rs80359861, ClinGen allele CA370823769.

ClinVar aggregate classification (germline): Pathogenic. Review status: criteria provided, multiple submitters, no conflicts (2 of 4 stars). 2 submissions from 2 submitters: Pathogenic (2). Last evaluated 2025-06-03.

Conditions:
Roberts-SC phocomelia syndrome (RBS). Also called: ESCO2 Spectrum Disorder; Hypomelia hypotrichosis facial hemangioma syndrome; Pseudothalidomide syndrome; Appelt-Gerken-Lenz syndrome; LONG BONE DEFICIENCIES ASSOCIATED WITH CLEFT LIP-PALATE. Identifiers: Orphanet 3103, MedGen C0392475, MONDO:0100253, OMIM 268300.

Submissions (2):

Labcorp Genetics (formerly Invitae), Labcorp
Classification: Pathogenic. Last evaluated: 2025-06-03. Review status: criteria provided, single submitter. Criteria: Invitae Variant Classification Sherloc (09022015). Collection method: clinical testing. Allele origin: germline.
Comment: This sequence change affects a donor splice site in intron 6 of the ESCO2 gene. It is expected to disrupt RNA splicing. Variants that disrupt the donor or acceptor splice site typically lead to a loss of protein function (PMID: 16199547), and loss-of-function variants in ESCO2 are known to be pathogenic (PMID: 15821733, 16380922). This variant is not present in population databases (gnomAD no frequency). Disruption of this splice site has been observed in individuals with Roberts syndrome (PMID: 16380922, 19574259). ClinVar contains an entry for this variant (Variation ID: 2891001). Algorithms developed to predict the effect of sequence changes on RNA splicing suggest that this variant may disrupt the consensus splice site. For these reasons, this variant has been classified as Pathogenic.

Natera, Inc.
Classification: Pathogenic for Roberts syndrome. Last evaluated: 2025-05-08. Review status: criteria provided, single submitter. Criteria: Natera Variant Classification Schema (03/2026). Collection method: clinical testing. Allele origin: germline.
Comment: The c.1131+1G>T variant in ESCO2 is a canonical splice donor site variant predicted to affect pre-mRNA splicing, which may result in an abnormal transcript and altered protein product. This variant is expected to result in nonsense mediated decay, truncation, or a dysfunctional protein product. This variant is rare in the general population with a frequency below the threshold expected for the associated phenotype(s). Another variant at this same site results in an alteration predicted to cause a similar molecular effect has been observed in individual(s) with the associated phenotype. Given the available evidence, this variant is classified as Pathogenic.

Literature cited by the submitters: PubMed 16199547 (cited by Labcorp Genetics (formerly Invitae), Labcorp); PubMed 15821733 (cited by Labcorp Genetics (formerly Invitae), Labcorp); PubMed 16380922 (cited by Labcorp Genetics (formerly Invitae), Labcorp); PubMed 19574259 (cited by Labcorp Genetics (formerly Invitae), Labcorp).